The following is an entry in ClinVar:

NM_000157.4(GBA1):c.762-18T>A

Genes: GBA1 (glucosylceramidase beta 1; minus strand), LOC106627981 (GBA recombination region; plus strand). Cytogenetic location: 1q22.
Variant type: single nucleotide variant.
Coding change: c.762-18T>A on transcript NM_000157.4 (MANE Select); 18 bases into the intron before coding-DNA position 762, T replaced by A.
Molecular consequence: intron variant.
Genome position (GRCh38, 1-based): chr1:155,237,596, A>T on the plus strand (T>A on the coding strand, the complement: GBA1 is on the minus strand). VCF-style: chr1-155237596-A-T. GRCh37 (hg19) VCF-style: chr1-155207387-A-T.
Other names: p.?; c.501-18T>A (NM_001171811.2); c.762-18T>A (NM_001005742.3, NM_001005741.3); c.615-18T>A (NM_001171812.2).
Identifiers: ClinVar variation 198756 (VCV000198756.28), dbSNP rs140335079, ClinGen allele CA203596.

ClinVar aggregate classification (germline): Benign/Likely benign. Review status: criteria provided, multiple submitters, no conflicts (2 of 4 stars). 9 submissions from 9 submitters: Benign (6); Likely benign (3). Last evaluated 2026-10-01.

Conditions:
Parkinson disease, late-onset (PD). Also called: Susceptibility to Parkinson's Disease; Hereditary late onset Parkinson disease; PARKINSON DISEASE, LATE-ONSET, SUSCEPTIBILITY TO. Identifiers: Orphanet 411602, MedGen C3160718, MONDO:0008199, OMIM 168600.
Gaucher disease perinatal lethal. Also called: Gaucher disease collodion type; Gaucher Disease, Perinatal-Lethal Form. Identifiers: Orphanet 85212, MedGen C1842704, MONDO:0011945, OMIM 608013.
Gaucher disease-ophthalmoplegia-cardiovascular calcification syndrome. Also called: GAUCHER DISEASE, TYPE IIIC. Identifiers: Orphanet 2072, MedGen C1856476, MONDO:0009268, OMIM 231005.
Gaucher disease type I (GD1). Also called: GAUCHER DISEASE, NONCEREBRAL JUVENILE; GBA DEFICIENCY; GD I; GLUCOCEREBROSIDASE DEFICIENCY; Type 1 Gaucher Disease; GD 1. Identifiers: Orphanet 355, Orphanet 77259, MedGen C1961835, MONDO:0009265, OMIM 230800.
Gaucher disease type II (GD2). Also called: GAUCHER DISEASE, ACUTE NEURONOPATHIC TYPE; GD II; Type 2 Gaucher disease (Acute; Infantile); Acute neuronopathic Gaucher's disease. Identifiers: Orphanet 77260, MedGen C0268250, MONDO:0009266, OMIM 230900.
Gaucher disease type III. Also called: GAUCHER DISEASE, CHRONIC NEURONOPATHIC TYPE; GAUCHER DISEASE, JUVENILE AND ADULT, CEREBRAL; GAUCHER DISEASE, SUBACUTE NEURONOPATHIC TYPE; GD III; Type 3 Gaucher disease (Subacute; Juvenile); Gaucher Disease, Type 3. Identifiers: Orphanet 355, Orphanet 77261, MedGen C0268251, MONDO:0009267, OMIM 231000.
Lewy body dementia (DLB). Also called: Lewy Body Disease. Identifiers: MedGen C0752347, MONDO:0007488, OMIM 127750.

Allele frequency attached by ClinVar (database versions not stated): 1000 Genomes Project 0.00180; 1000 Genomes Project 30x 0.00234; gnomAD 0.00896; TOPMed 0.00916; ESP Exome Variant Server 0.00976.
gnomAD v4.1: 18,905 of 1,612,996 alleles (1.2%); highest among the groups gnomAD compares: Non-Finnish European, 1.5%; 149 homozygotes.

Submissions 1 to 25 of 46:

CeGaT Center for Human Genetics Tuebingen
Classification: Benign. Last evaluated: 2026-10-01. Review status: criteria provided, single submitter. Criteria: CeGaT Center For Human Genetics Tuebingen Variant Classification Criteria Version 2. Collection method: clinical testing. Allele origin: germline. Affected: yes. Observed: 30 variant alleles.
Comment: GBA1: BS1, BS2

Mayo Clinic Laboratories, Mayo Clinic
Classification: Likely benign. Last evaluated: 2025-10-31. Review status: criteria provided, single submitter. Criteria: ACMG Guidelines, 2015. Collection method: clinical testing. Allele origin: germline. Observed: 10 variant alleles.
Comment: BS1, BP4

Blueprint Genetics
Classification: Likely benign. Last evaluated: 2024-11-25. Review status: criteria provided, single submitter. Criteria: ACMG Guidelines, 2015. Collection method: clinical testing. Allele origin: germline.

ARUP Laboratories, Molecular Genetics and Genomics, ARUP Laboratories
Classification: Benign. Last evaluated: 2023-07-13. Review status: criteria provided, single submitter. Criteria: ARUP Molecular Germline Variant Investigation Process 2024. Collection method: clinical testing. Allele origin: germline.

Fulgent Genetics
Classification: Likely benign for Lewy body dementia; Parkinson disease, late-onset; Gaucher disease type I; Gaucher disease type II; Gaucher disease type III; Gaucher disease-ophthalmoplegia-cardiovascular calcification syndrome; Gaucher disease perinatal lethal. Last evaluated: 2021-09-14. Review status: criteria provided, single submitter. Criteria: ACMG Guidelines, 2015. Collection method: clinical testing. Allele origin: unknown.

Women's Health and Genetics/Laboratory Corporation of America, LabCorp
Classification: Benign. Last evaluated: 2016-08-29. Review status: criteria provided, single submitter. Criteria: LabCorp Variant Classification Summary - May 2015. Collection method: clinical testing. Allele origin: germline.
Comment: Variant summary: The GBA c.762-18T>A variant involves the alteration of a non-conserved intronic nucleotide. One in silico tool predicts a benign outcome for this variant. 3/5 splice prediction tools predict the creation of a non-canonical splice acceptor site. However, these predictions have yet to be confirmed by functional studies. This variant was found in 882/111976 control chromosomes (5 homozygotes) at a frequency of 0.0078767, which is approximately 2 times the estimated maximal expected allele frequency of a pathogenic GBA variant (0.005), suggesting this variant is likely a benign polymorphism. In addition, one clinical diagnostic laboratories/reputable databases classified this variant as benign. The variant of interest has not, to our knowledge, been reported in affected individuals via publications nor evaluated for functional impact by in vivo/vitro studies. Taken together, this variant is classified as benign.

Ambry Genetics
Classification: Benign. Last evaluated: 2014-09-05. Review status: criteria provided, single submitter. Criteria: Ambry Variant Classification Scheme 2023. Collection method: clinical testing. Allele origin: germline.

Eurofins Ntd Llc (ga)
Classification: Benign. Last evaluated: 2014-05-20. Review status: criteria provided, single submitter. Criteria: EGL Classification Definitions 2015. Collection method: clinical testing. Allele origin: germline. Observed: 6 variant alleles, 6 heterozygotes, 1 homozygote.

PreventionGenetics, part of Exact Sciences
Classification: Benign. Review status: criteria provided, single submitter. Criteria: ACMG Guidelines, 2015. Collection method: clinical testing. Allele origin: germline.

Dr. Peter K. Rogan Lab, Western University
No classification provided (evidence only). Condition: Lung cancer. Review status: no classification provided. Collection method: in vitro. Allele origin: not applicable. Functional consequence: retained intron. Not counted in ClinVar's aggregate classification.

Dr. Peter K. Rogan Lab, Western University
No classification provided (evidence only). Condition: Familial cancer of breast. Review status: no classification provided. Collection method: in vitro. Allele origin: not applicable. Functional consequence: retained intron. Not counted in ClinVar's aggregate classification.

Dr. Peter K. Rogan Lab, Western University
No classification provided (evidence only). Condition: Familial cancer of breast. Review status: no classification provided. Collection method: in vitro. Allele origin: not applicable. Functional consequence: skipped exon, retained intron. Not counted in ClinVar's aggregate classification.

Dr. Peter K. Rogan Lab, Western University
No classification provided (evidence only). Condition: Familial cancer of breast. Review status: no classification provided. Collection method: in vitro. Allele origin: not applicable. Functional consequence: skipped exon, retained intron. Not counted in ClinVar's aggregate classification.

Dr. Peter K. Rogan Lab, Western University
No classification provided (evidence only). Condition: Familial cancer of breast. Review status: no classification provided. Collection method: in vitro. Allele origin: not applicable. Functional consequence: retained intron. Not counted in ClinVar's aggregate classification.

Dr. Peter K. Rogan Lab, Western University
No classification provided (evidence only). Condition: Acute myeloid leukemia. Review status: no classification provided. Collection method: in vitro. Allele origin: not applicable. Functional consequence: retained intron. Not counted in ClinVar's aggregate classification.

Dr. Peter K. Rogan Lab, Western University
No classification provided (evidence only). Condition: Acute myeloid leukemia. Review status: no classification provided. Collection method: in vitro. Allele origin: not applicable. Functional consequence: skipped exon, retained intron. Not counted in ClinVar's aggregate classification.

Dr. Peter K. Rogan Lab, Western University
No classification provided (evidence only). Condition: Acute myeloid leukemia. Review status: no classification provided. Collection method: in vitro. Allele origin: not applicable. Functional consequence: retained intron. Not counted in ClinVar's aggregate classification.

Dr. Peter K. Rogan Lab, Western University
No classification provided (evidence only). Condition: Uterine corpus endometrial carcinoma. Review status: no classification provided. Collection method: in vitro. Allele origin: not applicable. Functional consequence: skipped exon, retained intron. Not counted in ClinVar's aggregate classification.

Dr. Peter K. Rogan Lab, Western University
No classification provided (evidence only). Condition: Uterine corpus endometrial carcinoma. Review status: no classification provided. Collection method: in vitro. Allele origin: not applicable. Functional consequence: skipped exon, retained intron. Not counted in ClinVar's aggregate classification.

Dr. Peter K. Rogan Lab, Western University
No classification provided (evidence only). Condition: Cervical cancer. Review status: no classification provided. Collection method: in vitro. Allele origin: not applicable. Functional consequence: retained intron. Not counted in ClinVar's aggregate classification.

Dr. Peter K. Rogan Lab, Western University
No classification provided (evidence only). Condition: Cervical cancer. Review status: no classification provided. Collection method: in vitro. Allele origin: not applicable. Functional consequence: skipped exon, retained intron. Not counted in ClinVar's aggregate classification.

Dr. Peter K. Rogan Lab, Western University
No classification provided (evidence only). Condition: Cervical cancer. Review status: no classification provided. Collection method: in vitro. Allele origin: not applicable. Functional consequence: skipped exon. Not counted in ClinVar's aggregate classification.

Dr. Peter K. Rogan Lab, Western University
No classification provided (evidence only). Condition: Cervical cancer. Review status: no classification provided. Collection method: in vitro. Allele origin: not applicable. Functional consequence: skipped exon, retained intron. Not counted in ClinVar's aggregate classification.

Dr. Peter K. Rogan Lab, Western University
No classification provided (evidence only). Condition: Cervical cancer. Review status: no classification provided. Collection method: in vitro. Allele origin: not applicable. Functional consequence: retained intron. Not counted in ClinVar's aggregate classification.

Dr. Peter K. Rogan Lab, Western University
No classification provided (evidence only). Condition: Sarcoma. Review status: no classification provided. Collection method: in vitro. Allele origin: not applicable. Functional consequence: retained intron. Not counted in ClinVar's aggregate classification.